The following is an entry in ClinVar:

ClinVar aggregate classification (germline): Pathogenic. Review status: criteria provided, multiple submitters, no conflicts (2 of 4 stars). 2 submissions from 2 submitters: Pathogenic (2). Last evaluated 2025-05-07.

Conditions:
Ataxia-telangiectasia syndrome (AT). Also called: ATAXIA-TELANGIECTASIA, COMPLEMENTATION GROUP A; ATAXIA-TELANGIECTASIA, FRESNO VARIANT; Ataxia-telangiectasia; Ataxia-telangiectasia, complementation group D; Ataxia-telangiectasia, complementation group E; Ataxia telangiectasia (A-T). Identifiers: Orphanet 100, MedGen C0004135, MONDO:0008840, OMIM 208900.
Hereditary cancer-predisposing syndrome. Also called: Hereditary Cancer Syndrome; Hereditary neoplastic syndrome; Tumor predisposition; Neoplastic Syndromes, Hereditary. Identifiers: Orphanet 140162, MedGen C0027672, MeSH D009386, MONDO:0015356.

Submissions (2):

Labcorp Genetics (formerly Invitae), Labcorp
Classification: Pathogenic for Ataxia-telangiectasia syndrome. Last evaluated: 2025-05-07. Review status: criteria provided, single submitter. Criteria: Invitae Variant Classification Sherloc (09022015). Collection method: clinical testing. Allele origin: germline.
Comment: This sequence change creates a premature translational stop signal (p.Ser1487Ilefs*3) in the ATM gene. It is expected to result in an absent or disrupted protein product. Loss-of-function variants in ATM are known to be pathogenic (PMID: 23807571, 25614872). This variant is not present in population databases (gnomAD no frequency). This variant has not been reported in the literature in individuals affected with ATM-related conditions. For these reasons, this variant has been classified as Pathogenic.

Ambry Genetics
Classification: Pathogenic for Hereditary cancer-predisposing syndrome. Last evaluated: 2025-02-04. Review status: criteria provided, single submitter. Criteria: Ambry Variant Classification Scheme 2023. Collection method: clinical testing. Allele origin: germline.
Comment: The c.4458_4459delGT pathogenic mutation, located in coding exon 29 of the ATM gene, results from a deletion of two nucleotides at nucleotide positions 4458 to 4459, causing a translational frameshift with a predicted alternate stop codon (p.S1487Ifs*3). This variant is considered to be rare based on population cohorts in the Genome Aggregation Database (gnomAD). This alteration is expected to result in loss of function by premature protein truncation or nonsense-mediated mRNA decay. As such, this alteration is interpreted as a disease-causing mutation.

Literature cited by the submitters: PubMed 23807571 (cited by Labcorp Genetics (formerly Invitae), Labcorp); PubMed 25614872 (cited by Labcorp Genetics (formerly Invitae), Labcorp).

NM_000051.4(ATM):c.4458_4459del (p.Ser1487fs)

Gene: ATM (ATM serine/threonine kinase; plus strand). Cytogenetic location: 11q22.3.
Variant type: Microsatellite.
Coding change: c.4458_4459del on transcript NM_000051.4 (MANE Select); coding-DNA positions 4458 to 4459, 2 bases deleted (GT; older notation c.4458_4459delGT).
Protein change: p.Ser1487fs; shifts the reading frame from serine 1487.
Molecular consequence: frameshift variant.
Genome position (GRCh38, 1-based): chr11:108,292,640-108,292,641, GT deleted; deleting any 2 consecutive bases within chr11:108,292,637-108,292,641 gives the same sequence; the c. name uses the placement nearest the transcript's 3' end. VCF-style (leftmost placement, unchanged base first): chr11-108292636-ATG-A. GRCh37 (hg19) VCF-style: chr11-108163363-ATG-A.
Other names: c.4458_4459del, p.Ser1487fs (NM_001351834.2); c.4458_4459delGT (NM_000051.3); short protein forms S1487fs.
Identifiers: ClinVar variation 1352983 (VCV001352983.7), dbSNP rs2135797740, ClinGen allele CA2580616440.